The following is an entry in ClinVar:

ClinVar aggregate classification (germline): Likely benign (3 of 4 stars; one submission).

Conditions:
Lynch syndrome. Identifiers: Orphanet 144, MedGen C4552100, MONDO:0005835. Disease mechanism: loss of function.

Submission:

International Society for Gastrointestinal Hereditary Tumours (InSiGHT)
Classification: Likely benign for Lynch Syndrome. Last evaluated: 2013-09-05. Review status: reviewed by expert panel. Criteria: Guidelines v1.9. Collection method: research. Allele origin: germline.
Comment: Multifactorial likelihood analysis posterior probability 0.001-0.049

Classified with v1.9 guidelines

NM_000179.3(MSH6):c.3207G>T (p.Gly1069=)

Gene: MSH6 (mutS homolog 6; plus strand). Cytogenetic location: 2p16.3.
Variant type: single nucleotide variant.
Coding change: c.3207G>T on transcript NM_000179.3 (MANE Select); coding-DNA position 3207, G replaced by T.
Protein change: p.Gly1069=; no amino-acid change (glycine 1069 retained).
Molecular consequence: synonymous variant.
Genome position (GRCh38, 1-based): chr2:47,803,454, G>T. VCF-style: chr2-47803454-G-T. GRCh37 (hg19) VCF-style: chr2-48030593-G-T.
Other names: c.2817G>T, p.Gly939= (NM_001281492.2); c.2301G>T, p.Gly767= (NM_001281493.2, NM_001281494.2).
Identifiers: ClinVar variation 89354 (VCV000089354.2), dbSNP rs267608074, ClinGen allele CA011967.